The following is an entry in ClinVar:

NM_007118.4(TRIO):c.4640A>T (p.His1547Leu)

Genes: TRIO (trio Rho guanine nucleotide exchange factor; plus strand), LOC126807321 (BRD4-independent group 4 enhancer GRCh37_chr5:14399912-14401111; plus strand). Cytogenetic location: 5p15.2.
Variant type: single nucleotide variant.
Coding change: c.4640A>T on transcript NM_007118.4 (MANE Select); coding-DNA position 4640, A replaced by T.
Protein change: p.His1547Leu; replaces histidine 1547 with leucine.
Molecular consequence: missense variant. On other transcripts: non-coding transcript variant (1).
Genome position (GRCh38, 1-based): chr5:14,400,988, A>T. VCF-style: chr5-14400988-A-T. GRCh37 (hg19) VCF-style: chr5-14401097-A-T.
Other names: short protein forms H1547L.
Identifiers: ClinVar variation 1878784 (VCV001878784.2), dbSNP rs929230316, ClinGen allele CA359194363.

ClinVar aggregate classification (germline): Uncertain significance (1 of 4 stars; one submission).

Submission:

GeneDx
Classification: Uncertain significance. Last evaluated: 2023-07-21. Review status: criteria provided, single submitter. Criteria: GeneDx Variant Classification Process June 2021. Collection method: clinical testing. Allele origin: germline. Affected: yes.
Comment: Not observed at significant frequency in large population cohorts (gnomAD); In silico analysis supports that this missense variant has a deleterious effect on protein structure/function; Has not been previously published as pathogenic or benign to our knowledge